The following is an entry in ClinVar:

ClinVar aggregate classification (germline): Uncertain significance. Review status: criteria provided, multiple submitters, no conflicts (2 of 4 stars). 4 submissions from 4 submitters: Uncertain significance (4). Last evaluated 2023-11-23.

Conditions:
Hereditary cancer-predisposing syndrome. Also called: Neoplastic Syndromes, Hereditary; Tumor predisposition; Hereditary neoplastic syndrome; Hereditary Cancer Syndrome. Identifiers: Orphanet 140162, MedGen C0027672, MeSH D009386, MONDO:0015356.
Familial cancer of breast. Also called: BREAST CANCER, FAMILIAL; hereditary breast carcinoma; Hereditary breast cancer. Identifiers: Orphanet 227535, MedGen C0346153, MONDO:0016419, OMIM 114480. Disease mechanism: loss of function.

Submissions (4):

Ambry Genetics
Classification: Uncertain significance for Hereditary cancer-predisposing syndrome. Last evaluated: 2023-11-23. Review status: criteria provided, single submitter. Criteria: Ambry Variant Classification Scheme 2023. Collection method: clinical testing. Allele origin: germline.
Comment: The p.A104P variant (also known as c.310G>C), located in coding exon 1 of the CHEK2 gene, results from a G to C substitution at nucleotide position 310. The alanine at codon 104 is replaced by proline, an amino acid with highly similar properties. This amino acid position is conserved. In addition, this alteration is predicted to be tolerated by in silico analysis. Since supporting evidence is limited at this time, the clinical significance of this alteration remains unclear.

Baylor Genetics
Classification: Uncertain significance for Familial cancer of breast. Last evaluated: 2023-09-20. Review status: criteria provided, single submitter. Criteria: ACMG Guidelines, 2015. Collection method: clinical testing. Allele origin: unknown.

GeneDx
Classification: Uncertain significance. Last evaluated: 2023-06-14. Review status: criteria provided, single submitter. Criteria: GeneDx Variant Classification Process June 2021. Collection method: clinical testing. Allele origin: germline. Affected: yes.
Comment: Not observed at significant frequency in large population cohorts (gnomAD); In silico analysis supports that this missense variant does not alter protein structure/function; Has not been previously published as pathogenic or benign to our knowledge; This variant is associated with the following publications: (PMID: 22419737, 19782031)

Labcorp Genetics (formerly Invitae), Labcorp
Classification: Uncertain significance for Familial cancer of breast. Last evaluated: 2018-09-25. Review status: criteria provided, single submitter. Criteria: Invitae Variant Classification Sherloc (09022015). Collection method: clinical testing. Allele origin: germline.
Comment: This variant is not present in population databases (ExAC no frequency). This sequence change replaces alanine with proline at codon 104 of the CHEK2 protein (p.Ala104Pro). The alanine residue is weakly conserved and there is a small physicochemical difference between alanine and proline. This variant has not been reported in the literature in individuals with CHEK2-related disease. In summary, the available evidence is currently insufficient to determine the role of this variant in disease. Therefore, it has been classified as a Variant of Uncertain Significance. Algorithms developed to predict the effect of missense changes on protein structure and function output the following: SIFT: "Tolerated"; PolyPhen-2: "Benign"; Align-GVGD: "Class C0". The proline amino acid residue is found in multiple mammalian species, suggesting that this missense change does not adversely affect protein function. These predictions have not been confirmed by published functional studies and their clinical significance is uncertain.

NM_007194.4(CHEK2):c.310G>C (p.Ala104Pro)

Gene: CHEK2 (checkpoint kinase 2; minus strand). Cytogenetic location: 22q12.1.
Variant type: single nucleotide variant.
Coding change: c.310G>C on transcript NM_007194.4 (MANE Select); coding-DNA position 310, G replaced by C.
Protein change: p.Ala104Pro; replaces alanine 104 with proline.
Molecular consequence: missense variant.
Genome position (GRCh38, 1-based): chr22:28,734,412, C>G on the plus strand (G>C on the coding strand, the complement: CHEK2 is on the minus strand). VCF-style: chr22-28734412-C-G. GRCh37 (hg19) VCF-style: chr22-29130400-C-G.
Other names: c.310G>C, p.Ala104Pro (NM_001005735.3, NM_001349956.3, NM_145862.3); c.-468G>C (NM_001257387.3); short protein forms A104P.
Identifiers: ClinVar variation 661995 (VCV000661995.12), dbSNP rs1601851066, ClinGen allele CA411090204.
Genomic context (GRCh38, chr22:28,734,412, plus strand): 5'-TGTAAGTGTTTTTCTGAACAAAACGTGATACTATACAACAAAGGGTCTTACCAAGATTGG[C>G]AAATCCATCCTGAAGGGCCCATAATCGAGCCCAGGGGGCAGGGGTAGGCTCCTCAGGTTC-3'
Protein context (NP_009125.1, residues 94-114): ARLWALQDGF[Ala104Pro]NLECVNDNYW